The following is an entry in ClinVar:

NM_022773.4(LMF1):c.524C>T (p.Ser175Phe)

Gene: LMF1 (lipase maturation factor 1; minus strand). Cytogenetic location: 16p13.3.
Variant type: single nucleotide variant.
Coding change: c.524C>T on transcript NM_022773.4 (MANE Select); coding-DNA position 524, C replaced by T.
Protein change: p.Ser175Phe; replaces serine 175 with phenylalanine.
Molecular consequence: missense variant. On other transcripts: 5 prime UTR variant (2), non-coding transcript variant (1).
Genome position (GRCh38, 1-based): chr16:911,070, G>A on the plus strand (C>T on the coding strand, the complement: LMF1 is on the minus strand). VCF-style: chr16-911070-G-A. GRCh37 (hg19) VCF-style: chr16-961070-G-A.
Other names: c.-128C>T (NM_001352017.2, NM_001352021.2); c.125C>T, p.Ser42Phe (NM_001352018.2); c.197C>T, p.Ser66Phe (NM_001352019.2); c.524C>T, p.Ser175Phe (NM_001352020.1); short protein forms S175F, S42F, S66F.
Identifiers: ClinVar variation 1378947 (VCV001378947.6), dbSNP rs2151754775, ClinGen allele CA394115990.

ClinVar aggregate classification (germline): Uncertain significance (1 of 4 stars; one submission).

Submission:

Labcorp Genetics (formerly Invitae), Labcorp
Classification: Uncertain significance. Last evaluated: 2021-08-31. Review status: criteria provided, single submitter. Criteria: Invitae Variant Classification Sherloc (09022015). Collection method: clinical testing. Allele origin: germline.
Comment: Algorithms developed to predict the effect of missense changes on protein structure and function output the following: SIFT: "Deleterious"; PolyPhen-2: "Probably Damaging"; Align-GVGD: "Class C0". The phenylalanine amino acid residue is found in multiple mammalian species, which suggests that this missense change does not adversely affect protein function. This variant has not been reported in the literature in individuals affected with LMF1-related conditions. This variant is not present in population databases (ExAC no frequency). In summary, the available evidence is currently insufficient to determine the role of this variant in disease. Therefore, it has been classified as a Variant of Uncertain Significance. This sequence change replaces serine with phenylalanine at codon 175 of the LMF1 protein (p.Ser175Phe). The serine residue is moderately conserved and there is a large physicochemical difference between serine and phenylalanine.